The following is an entry in ClinVar:

NM_001754.5(RUNX1):c.351+1_351+2dup

Gene: RUNX1 (RUNX family transcription factor 1; minus strand). Cytogenetic location: 21q22.12.
Variant type: Duplication.
Coding change: c.351+1_351+2dup on transcript NM_001754.5 (MANE Select); the canonical splice donor site of the intron after coding-DNA position 351, 2 bases duplicated (GT; older notation c.351+1_351+2dupGT).
Molecular consequence: splice donor variant.
Genome position (GRCh38, 1-based): chr21:34,886,841-34,886,842, AC duplicated on the plus strand (GT on the coding strand, the reverse complement: RUNX1 is on the minus strand). VCF-style (leftmost placement, unchanged base first): chr21-34886840-T-TAC. GRCh37 (hg19) VCF-style: chr21-36259137-T-TAC.
Other names: c.270+1_270+2dup (NM_001001890.3, NM_001122607.2).
Identifiers: ClinVar variation 2435494 (VCV002435494.6), dbSNP rs2517481120, ClinGen allele CA891842376.

ClinVar aggregate classification (germline): Likely pathogenic. Review status: reviewed by expert panel (3 of 4 stars). 2 submissions from 2 submitters: Likely pathogenic (1). 1 of the submissions does not count toward it. Last evaluated 2026-10-05.

Conditions:
Hereditary thrombocytopenia and hematologic cancer predisposition syndrome. Identifiers: Orphanet 71290, MedGen CN281654, MONDO:0011071.

Submissions (2):

ClinGen Myeloid Malignancy Variant Curation Expert Panel
Classification: Likely pathogenic for Hereditary thrombocytopenia and hematologic cancer predisposition syndrome. Last evaluated: 2026-10-05. Review status: reviewed by expert panel. Criteria: ClinGen MyeloMalig ACMG Specifications V3.1. Collection method: curation. Allele origin: germline. Inheritance: Autosomal dominant inheritance.
Comment: NM_001754.5(RUNX1):c.351+1_351+2dup is a canonical splice site variant which is predicted to disrupt splicing (PVS1). This variant is completely absent from all population databases with at least 20x coverage for RUNX1 (PM2_Supporting). In summary, this variant meets criteria to be classified as likely pathogenic. ACMG/AMP criteria applied, as specified by the Myeloid Malignancy Variant Curation Expert Panel for RUNX1: PVS1, PM2_Supporting

Revvity Omics, Revvity
Classification: Uncertain significance. Last evaluated: 2019-09-24. Review status: criteria provided, single submitter. Criteria: ACMG Guidelines, 2015. Collection method: clinical testing. Allele origin: germline. Not counted in ClinVar's aggregate classification.